The following is an entry in ClinVar:

ClinVar aggregate classification (germline): Uncertain significance. Review status: criteria provided, multiple submitters, no conflicts (2 of 4 stars). 2 submissions from 2 submitters: Uncertain significance (2). Last evaluated 2025-08-21.

Conditions:
Inborn genetic diseases. Identifiers: MedGen C0950123, MeSH D030342.

Allele frequency attached by ClinVar (database versions not stated): TOPMed 0.00002.
gnomAD v4.1: 19 of 1,614,034 alleles (0.0012%); highest among the groups gnomAD compares: Admixed American, 0.0033%; no homozygotes.

Submissions (2):

Ambry Genetics
Classification: Uncertain significance for Inborn genetic diseases. Last evaluated: 2025-08-21. Review status: criteria provided, single submitter. Criteria: Ambry Variant Classification Scheme 2023. Collection method: clinical testing. Allele origin: germline.

Women's Health and Genetics/Laboratory Corporation of America, LabCorp
Classification: Uncertain significance. Last evaluated: 2024-03-07. Review status: criteria provided, single submitter. Criteria: LabCorp Variant Classification Summary - May 2015. Collection method: clinical testing. Allele origin: germline.
Comment: Variant summary: TBXAS1 c.509C>T (p.Ala170Val) results in a non-conservative amino acid change in the encoded protein sequence. Three of five in-silico tools predict a benign effect of the variant on protein function. The variant allele was found at a frequency of 2.4e-05 in 251452 control chromosomes. The available data on variant occurrences in the general population are insufficient to allow any conclusion about variant significance. To our knowledge, no occurrence of c.509C>T in individuals affected with Ghosal Hematodiaphyseal Dysplasia and no experimental evidence demonstrating its impact on protein function have been reported. ClinVar contains an entry for this variant (Variation ID: 2381685). Based on the evidence outlined above, the variant was classified as uncertain significance.

NM_001061.7(TBXAS1):c.509C>T (p.Ala170Val)

Gene: TBXAS1 (thromboxane A synthase 1; plus strand). Cytogenetic location: 7q34.
Variant type: single nucleotide variant.
Coding change: c.509C>T on transcript NM_001061.7 (MANE Select); coding-DNA position 509, C replaced by T.
Protein change: p.Ala170Val; replaces alanine 170 with valine.
Molecular consequence: missense variant.
Genome position (GRCh38, 1-based): chr7:139,953,426, C>T. VCF-style: chr7-139953426-C-T. GRCh37 (hg19) VCF-style: chr7-139653225-C-T.
Other names: c.509C>T, p.Ala170Val (NM_001130966.5, NM_030984.6); c.647C>T, p.Ala216Val (NM_001166253.4); c.308C>T, p.Ala103Val (NM_001166254.4); c.452C>T, p.Ala151Val (NM_001314028.4); c.326C>T, p.Ala109Val (NM_001366537.3); short protein forms A109V, A103V, A151V, A171V, A217V, A170V, A216V.
Identifiers: ClinVar variation 2381685 (VCV002381685.5), dbSNP rs775968061, ClinGen allele CA4511686.